The following is an entry in ClinVar:

NM_000135.4(FANCA):c.2692C>A (p.Leu898Ile)

Genes: FANCA (FA complementation group A; minus strand), LOC130059837 (ATAC-STARR-seq lymphoblastoid active region 11420; plus strand). Cytogenetic location: 16q24.3.
Variant type: single nucleotide variant.
Coding change: c.2692C>A on transcript NM_000135.4 (MANE Select); coding-DNA position 2692, C replaced by A.
Protein change: p.Leu898Ile; replaces leucine 898 with isoleucine.
Molecular consequence: missense variant.
Genome position (GRCh38, 1-based): chr16:89,764,976, G>T on the plus strand (C>A on the coding strand, the complement: FANCA is on the minus strand). VCF-style: chr16-89764976-G-T. GRCh37 (hg19) VCF-style: chr16-89831384-G-T.
Other names: c.2692C>A, p.Leu898Ile (NM_001286167.3); short protein forms L898I.
Identifiers: ClinVar variation 5036382 (VCV005036382.1).

ClinVar aggregate classification (germline): Uncertain significance (1 of 4 stars; one submission).

Conditions:
Inborn genetic diseases. Identifiers: MedGen C0950123, MeSH D030342.

Submission:

Ambry Genetics
Classification: Uncertain significance for Inborn genetic diseases. Last evaluated: 2026-07-28. Review status: criteria provided, single submitter. Criteria: Ambry Variant Classification Scheme 2023. Collection method: clinical testing. Allele origin: germline.
Comment: The p.L898I variant (also known as c.2692C>A), located in coding exon 28 of the FANCA gene, results from a C to A substitution at nucleotide position 2692. The leucine at codon 898 is replaced by isoleucine, an amino acid with highly similar properties. This amino acid position is conserved. In addition, this alteration is predicted to be tolerated by in silico analysis. Based on the available evidence, the clinical significance of this variant remains unclear.